The following is an entry in ClinVar:

NM_022082.4(SLC17A9):c.629-7C>T

Gene: SLC17A9 (solute carrier family 17 member 9; plus strand). Cytogenetic location: 20q13.33.
Variant type: single nucleotide variant.
Coding change: c.629-7C>T on transcript NM_022082.4 (MANE Select); 7 bases into the intron before coding-DNA position 629, C replaced by T.
Molecular consequence: intron variant.
Genome position (GRCh38, 1-based): chr20:62,963,266, C>T. VCF-style: chr20-62963266-C-T. GRCh37 (hg19) VCF-style: chr20-61594618-C-T.
Other names: c.611-7C>T (NM_001302643.2).
Identifiers: ClinVar variation 781503 (VCV000781503.5), dbSNP rs115804061, ClinGen allele CA9952985.

ClinVar aggregate classification (germline): Benign. Review status: criteria provided, single submitter (1 of 4 stars). 2 submissions from 2 submitters: Benign (1). 1 of the submissions does not count toward it. Last evaluated 2019-01-03.

Conditions:
SLC17A9-related disorder. Also called: SLC17A9-related condition.

Allele frequency attached by ClinVar (database versions not stated): gnomAD exomes 0.00069 and 0.00188; ExAC 0.00228; 1000 Genomes Project 0.00679; ESP Exome Variant Server 0.00726; gnomAD 0.00734 and 0.00790; 1000 Genomes Project 30x 0.00781; TOPMed 0.00869.
gnomAD v4.1: 2,151 of 1,613,136 alleles (0.13%); highest among the groups gnomAD compares: African/African-American, 2.6%; 24 homozygotes.

Submissions (2):

Labcorp Genetics (formerly Invitae), Labcorp
Classification: Benign. Last evaluated: 2019-01-03. Review status: criteria provided, single submitter. Criteria: Invitae Variant Classification Sherloc (09022015). Collection method: clinical testing. Allele origin: germline.

PreventionGenetics, part of Exact Sciences
Classification: Benign for SLC17A9-related condition. Last evaluated: 2020-02-25. Review status: no assertion criteria provided. Collection method: clinical testing. Allele origin: germline. Not counted in ClinVar's aggregate classification.
Comment: This variant is classified as benign based on ACMG/AMP sequence variant interpretation guidelines (Richards et al. 2015 PMID: 25741868, with internal and published modifications).